The following is an entry in ClinVar:

NM_001039958.2(MESP2):c.718dup (p.Val240fs)

Gene: MESP2 (mesoderm posterior bHLH transcription factor 2; plus strand). Cytogenetic location: 15q26.1.
Variant type: Duplication.
Coding change: c.718dup on transcript NM_001039958.2 (MANE Select); coding-DNA position 718, one base duplicated (G; older notation c.718dupG).
Protein change: p.Val240fs; shifts the reading frame from valine 240.
Molecular consequence: frameshift variant.
Genome position (GRCh38, 1-based): chr15:89,777,075, G duplicated; the last of 6 consecutive G bases (chr15:89,777,070-89,777,075); duplicating any one gives the same sequence. VCF-style (leftmost placement, unchanged base first): chr15-89777069-A-AG. GRCh37 (hg19) VCF-style: chr15-90320300-A-AG.
Other names: short protein forms V240fs.
Identifiers: ClinVar variation 1951168 (VCV001951168.2), dbSNP rs756232049, ClinGen allele CA645574718.

ClinVar aggregate classification (germline): Uncertain significance (1 of 4 stars; one submission).

Submission:

Labcorp Genetics (formerly Invitae), Labcorp
Classification: Uncertain significance. Last evaluated: 2022-09-13. Review status: criteria provided, single submitter. Criteria: Invitae Variant Classification Sherloc (09022015). Collection method: clinical testing. Allele origin: germline.
Comment: This sequence change creates a premature translational stop signal (p.Val240Glyfs*127) in the MESP2 gene. While this is not anticipated to result in nonsense mediated decay, it is expected to disrupt the last 158 amino acid(s) of the MESP2 protein. This variant is not present in population databases (gnomAD no frequency). This variant has not been reported in the literature in individuals affected with MESP2-related conditions. Experimental studies and prediction algorithms are not available or were not evaluated, and the functional significance of this variant is currently unknown. In summary, the available evidence is currently insufficient to determine the role of this variant in disease. Therefore, it has been classified as a Variant of Uncertain Significance.